The following is an entry in ClinVar:

NM_139076.3(ABRAXAS1):c.76G>T (p.Asp26Tyr)

Genes: ABRAXAS1 (abraxas 1, BRCA1 A complex subunit; minus strand), LOC129992784 (ATAC-STARR-seq lymphoblastoid silent region 15542; plus strand). Cytogenetic location: 4q21.23.
Variant type: single nucleotide variant.
Coding change: c.76G>T on transcript NM_139076.3 (MANE Select); coding-DNA position 76, G replaced by T.
Protein change: p.Asp26Tyr; replaces aspartic acid 26 with tyrosine.
Molecular consequence: missense variant. On other transcripts: 5 prime UTR variant (1).
Genome position (GRCh38, 1-based): chr4:83,484,997, C>A on the plus strand (G>T on the coding strand, the complement: ABRAXAS1 is on the minus strand). VCF-style: chr4-83484997-C-A. GRCh37 (hg19) VCF-style: chr4-84406150-C-A.
Other names: c.-185G>T (NM_001345962.2); short protein forms D26Y.
Identifiers: ClinVar variation 863547 (VCV000863547.12), dbSNP rs955473473, ClinGen allele CA100696664.

ClinVar aggregate classification (germline): Uncertain significance. Review status: criteria provided, multiple submitters, no conflicts (2 of 4 stars). 2 submissions from 2 submitters: Uncertain significance (2). Last evaluated 2022-10-30.

Allele frequency attached by ClinVar (database versions not stated): TOPMed below 0.00001; gnomAD 0.00001.
gnomAD v4.1: 1 of 1,589,056 alleles (0.000063%); highest among the groups gnomAD compares: African/African-American, 0.0014%; no homozygotes.

Submissions (2):

Ambry Genetics
Classification: Uncertain significance. Last evaluated: 2022-10-30. Review status: criteria provided, single submitter. Criteria: Ambry Variant Classification Scheme 2023. Collection method: clinical testing. Allele origin: germline.
Comment: The p.D26Y variant (also known as c.76G>T), located in coding exon 1 of the FAM175A gene, results from a G to T substitution at nucleotide position 76. The aspartic acid at codon 26 is replaced by tyrosine, an amino acid with highly dissimilar properties. This amino acid position is conserved. In addition, this alteration is predicted to be tolerated by in silico analysis. Since supporting evidence is limited at this time, the clinical significance of this alteration remains unclear.

Labcorp Genetics (formerly Invitae), Labcorp
Classification: Uncertain significance. Last evaluated: 2019-11-25. Review status: criteria provided, single submitter. Criteria: Invitae Variant Classification Sherloc (09022015). Collection method: clinical testing. Allele origin: germline.
Comment: In summary, the available evidence is currently insufficient to determine the role of this variant in disease. Therefore, it has been classified as a Variant of Uncertain Significance. Algorithms developed to predict the effect of missense changes on protein structure and function are either unavailable or do not agree on the potential impact of this missense change (SIFT: "Deleterious"; PolyPhen-2: "Possibly Damaging"; Align-GVGD: "Class C0"). This variant has not been reported in the literature in individuals with ABRAXAS1-related conditions. This variant is not present in population databases (ExAC no frequency). This sequence change replaces aspartic acid with tyrosine at codon 26 of the ABRAXAS1 protein (p.Asp26Tyr). The aspartic acid residue is moderately conserved and there is a large physicochemical difference between aspartic acid and tyrosine.